The following is an entry in ClinVar:

NM_016180.5(SLC45A2):c.305G>A (p.Arg102Gln)

Gene: SLC45A2 (solute carrier family 45 member 2; minus strand). Cytogenetic location: 5p13.2.
Variant type: single nucleotide variant.
Coding change: c.305G>A on transcript NM_016180.5 (MANE Select); coding-DNA position 305, G replaced by A.
Protein change: p.Arg102Gln; replaces arginine 102 with glutamine.
Molecular consequence: missense variant.
Genome position (GRCh38, 1-based): chr5:33,984,279, C>T on the plus strand (G>A on the coding strand, the complement: SLC45A2 is on the minus strand). VCF-style: chr5-33984279-C-T. GRCh37 (hg19) VCF-style: chr5-33984384-C-T.
Other names: c.305G>A (NM_016180.4); c.305G>A, p.Arg102Gln (NM_001012509.4, NM_001297417.4); short protein forms R102Q.
Identifiers: ClinVar variation 1443630 (VCV001443630.8), dbSNP rs752370234, ClinGen allele CA3225830.
Genomic context (GRCh38, chr5:33,984,279, plus strand): 5'-TTGAGGTACAGAGCCATGCCCACGAGCATCATGACTCCCAGGGTGAGGATGTAGGGTCTC[C>T]GGCGGCCCCACCTGGACCGGCAGTGGTCGCTGGCCGATCCGACCACGGGCTGCAGCAGGA-3'
Protein context (NP_057264.4, residues 92-112): SDHCRSRWGR[Arg102Gln]RPYILTLGVM

ClinVar aggregate classification (germline): Pathogenic/Likely pathogenic. Review status: criteria provided, multiple submitters, no conflicts (2 of 4 stars). 3 submissions from 3 submitters: Pathogenic (1); Likely pathogenic (2). Last evaluated 2025-02-25.

Conditions:
SLC45A2-related disorder. Also called: SLC45A2-related condition.
Oculocutaneous albinism type 4 (OCA4). Also called: Albinism, oculocutaneous, type IV. Identifiers: Orphanet 79435, MedGen C1847836, MONDO:0011683, OMIM 606574.

Allele frequency attached by ClinVar (database versions not stated): gnomAD exomes 0.00002 and 0.00003; ExAC 0.00002; gnomAD 0.00003 and 0.00002; TOPMed 0.00003.

Submissions (3):

Labcorp Genetics (formerly Invitae), Labcorp
Classification: Pathogenic. Last evaluated: 2025-02-25. Review status: criteria provided, single submitter. Criteria: Invitae Variant Classification Sherloc (09022015). Collection method: clinical testing. Allele origin: germline.
Comment: This sequence change replaces arginine, which is basic and polar, with glutamine, which is neutral and polar, at codon 102 of the SLC45A2 protein (p.Arg102Gln). This variant is present in population databases (rs752370234, gnomAD 0.009%). This missense change has been observed in individual(s) with ocular albinism (internal data). In at least one individual the data is consistent with being in trans (on the opposite chromosome) from a pathogenic variant. ClinVar contains an entry for this variant (Variation ID: 1443630). Invitae Evidence Modeling of protein sequence and biophysical properties (such as structural, functional, and spatial information, amino acid conservation, physicochemical variation, residue mobility, and thermodynamic stability) indicates that this missense variant is expected to disrupt SLC45A2 protein function with a positive predictive value of 80%. This variant disrupts the p.Arg102 amino acid residue in SLC45A2. Other variant(s) that disrupt this residue have been determined to be pathogenic (PMID: 29345414; internal data). This suggests that this residue is clinically significant, and that variants that disrupt this residue are likely to be disease-causing. For these reasons, this variant has been classified as Pathogenic.

Victorian Clinical Genetics Services, Murdoch Childrens Research Institute
Classification: Likely pathogenic for Oculocutaneous albinism type 4. Last evaluated: 2024-10-09. Review status: criteria provided, single submitter. Criteria: ACMG Guidelines, 2015. Collection method: clinical testing. Allele origin: germline. Inheritance: Autosomal recessive inheritance. Affected: yes.
Comment: Based on the classification scheme VCGS_Germline_v1.3.4, this variant is classified as Likely pathogenic. Following criteria are met: 0102 - Loss of function is a known mechanism of disease in this gene and is associated with type IV oculocutaneous albinism (MIM#606574). (I) 0106 - This gene is associated with autosomal recessive disease. (I) 0200 - Variant is predicted to result in a missense amino acid change from arginine to glutamine. (I) 0251 - This variant is heterozygous. (I) 0304 - Variant is present in gnomAD (v2) <0.01 for a recessive condition (5 heterozygotes, 0 homozygotes). (SP) 0309 - An alternative amino acid change at the same position has been observed in gnomAD (v2) (4 heterozygotes, 0 homozygotes). (I) 0501 - Missense variant consistently predicted to be damaging by multiple in silico tools or highly conserved with a major amino acid change. (SP) 0600 - Variant is located in the annotated MFS/sugar transport protein domain (DECIPHER). (I) 0704 - Another missense variant comparable to the one identified in this case has limited previous evidence for pathogenicity. p.(Arg120Trp) has been classified as pathogenic and as a VUS by clinical laboratories in ClinVar, and has been observed in two individual with oculocutaneous albinism who also had a second SLC45A2 variant (PMID: 29345414). (SP) 0803 - This variant has limited previous evidence of pathogenicity in an unrelated individual. This variant has been classified as pathogenic by a clinical laboratory in ClinVar. (SP) 0905 - No published segregation evidence has been identified for this variant. (I) 1007 - No published functional evidence has been identified for this variant. (I) 1201 - Heterozygous variant detected in trans with a second pathogenic heterozygous variant (NM_016180.4(SLC45A2):c.834C>G; p.(Tyr278*)) in a recessive disease. (I) Legend: (SP) - Supporting pathogenic, (I) - Information, (SB) - Supporting benign

Blueprint Genetics
Classification: Likely pathogenic for SLC45A2-related disorders. Last evaluated: 2023-11-02. Review status: criteria provided, single submitter. Criteria: ACMG Guidelines, 2015. Collection method: clinical testing. Allele origin: germline. Affected: yes. Observed: 5 variant alleles.

Literature cited by the submitters: PubMed 29345414 (cited by Labcorp Genetics (formerly Invitae), Labcorp and Victorian Clinical Genetics Services, Murdoch Childrens Research Institute).